The following is an entry in ClinVar:

NM_001145358.2(SIN3A):c.2956A>G (p.Met986Val)

Gene: SIN3A (SIN3 transcription regulator family member A; minus strand). Cytogenetic location: 15q24.2.
Variant type: single nucleotide variant.
Coding change: c.2956A>G on transcript NM_001145358.2 (MANE Select); coding-DNA position 2956, A replaced by G.
Protein change: p.Met986Val; replaces methionine 986 with valine.
Molecular consequence: missense variant.
Genome position (GRCh38, 1-based): chr15:75,389,717, T>C on the plus strand (A>G on the coding strand, the complement: SIN3A is on the minus strand). VCF-style: chr15-75389717-T-C. GRCh37 (hg19) VCF-style: chr15-75682058-T-C.
Other names: c.2956A>G, p.Met986Val (NM_001145357.2, NM_015477.3); short protein forms M986V.
Identifiers: ClinVar variation 2428794 (VCV002428794.2), dbSNP rs1288748131, ClinGen allele CA393489320.

ClinVar aggregate classification (germline): Uncertain significance (1 of 4 stars; one submission).

Allele frequency attached by ClinVar (database versions not stated): gnomAD exomes below 0.00001.
gnomAD v4.1: 1 of 1,614,072 alleles (0.000062%); highest among the groups gnomAD compares: Non-Finnish European, 0.000085%; no homozygotes.

Submission:

GeneDx
Classification: Uncertain significance. Last evaluated: 2022-08-04. Review status: criteria provided, single submitter. Criteria: GeneDx Variant Classification Process June 2021. Collection method: clinical testing. Allele origin: germline. Affected: yes.
Comment: Not observed at significant frequency in large population cohorts (gnomAD); In silico analysis supports that this missense variant has a deleterious effect on protein structure/function; Has not been previously published as pathogenic or benign to our knowledge